The following is an entry in ClinVar:

ClinVar aggregate classification (germline): Uncertain significance (1 of 4 stars; one submission).

Allele frequency attached by ClinVar (database versions not stated): gnomAD exomes 0.00001.
gnomAD v4.1: 9 of 1,551,530 alleles (0.00058%); highest among the groups gnomAD compares: East Asian, 0.022%; no homozygotes.

Submission:

Women's Health and Genetics/Laboratory Corporation of America, LabCorp
Classification: Uncertain significance. Last evaluated: 2024-04-23. Review status: criteria provided, single submitter. Criteria: LabCorp Variant Classification Summary - May 2015. Collection method: clinical testing. Allele origin: germline.
Comment: Variant summary: SETD1B c.3160G>A (p.Gly1054Arg) results in a non-conservative amino acid change in the encoded protein sequence. Two of two in-silico tools predict a damaging effect of the variant on protein function. The variant was absent in 152262 control chromosomes. The available data on variant occurrences in the general population are insufficient to allow any conclusion about variant significance. To our knowledge, no occurrence of c.3160G>A in individuals affected with Intellectual Developmental Disorder With Seizures And Language Delay and no experimental evidence demonstrating its impact on protein function have been reported. No submitters have cited clinical-significance assessments for this variant to ClinVar. Based on the evidence outlined above, the variant was classified as uncertain significance.

NM_001353345.2(SETD1B):c.3160G>A (p.Gly1054Arg)

Gene: SETD1B (SET domain containing 1B, histone lysine methyltransferase; plus strand). Cytogenetic location: 12q24.31.
Variant type: single nucleotide variant.
Coding change: c.3160G>A on transcript NM_001353345.2 (MANE Select); coding-DNA position 3160, G replaced by A.
Protein change: p.Gly1054Arg; replaces glycine 1054 with arginine.
Molecular consequence: missense variant.
Genome position (GRCh38, 1-based): chr12:121,817,552, G>A. VCF-style: chr12-121817552-G-A. GRCh37 (hg19) VCF-style: chr12-122255458-G-A.
Other names: short protein forms G1054R.
Identifiers: ClinVar variation 3251757 (VCV003251757.1), dbSNP rs1592983394.